The following is an entry in ClinVar:

NM_015650.4(TRAF3IP1):c.26C>T (p.Thr9Met)

Gene: TRAF3IP1 (TRAF3 interacting protein 1; plus strand). Cytogenetic location: 2q37.3.
Variant type: single nucleotide variant.
Coding change: c.26C>T on transcript NM_015650.4 (MANE Select); coding-DNA position 26, C replaced by T.
Protein change: p.Thr9Met; replaces threonine 9 with methionine.
Molecular consequence: missense variant.
Genome position (GRCh38, 1-based): chr2:238,320,688, C>T. VCF-style: chr2-238320688-C-T. GRCh37 (hg19) VCF-style: chr2-239229329-C-T.
Other names: c.26C>T, p.Thr9Met (NM_001139490.1); short protein forms T9M.
Identifiers: ClinVar variation 2127660 (VCV002127660.4), dbSNP rs1214100414, ClinGen allele CA351239550.

ClinVar aggregate classification (germline): Uncertain significance (1 of 4 stars; one submission).

Allele frequency attached by ClinVar (database versions not stated): TOPMed below 0.00001; gnomAD 0.00001.
gnomAD v4.1: 2 of 1,417,376 alleles (0.00014%); highest among the groups gnomAD compares: Non-Finnish European, 0.00019%; no homozygotes.

Submission:

Labcorp Genetics (formerly Invitae), Labcorp
Classification: Uncertain significance. Last evaluated: 2022-04-18. Review status: criteria provided, single submitter. Criteria: Invitae Variant Classification Sherloc (09022015). Collection method: clinical testing. Allele origin: germline.
Comment: This variant has not been reported in the literature in individuals affected with TRAF3IP1-related conditions. In summary, the available evidence is currently insufficient to determine the role of this variant in disease. Therefore, it has been classified as a Variant of Uncertain Significance. Algorithms developed to predict the effect of missense changes on protein structure and function (SIFT, PolyPhen-2, Align-GVGD) all suggest that this variant is likely to be disruptive. This variant is not present in population databases (gnomAD no frequency). This sequence change replaces threonine, which is neutral and polar, with methionine, which is neutral and non-polar, at codon 9 of the TRAF3IP1 protein (p.Thr9Met).